The following is an entry in ClinVar:

ClinVar aggregate classification (germline): Conflicting classifications of pathogenicity. Review status: criteria provided, conflicting classifications (1 of 4 stars). 3 submissions from 3 submitters: Likely pathogenic (1); Uncertain significance (1). 1 of the submissions does not count toward it. Last evaluated 2025-09-05.

Conditions:
Elliptocytosis 2 (EL2). Also called: ELLIPTOCYTOSIS, RHESUS-UNLINKED TYPE. Identifiers: Orphanet 288, MedGen C1851741, MONDO:0007533, OMIM 130600.

Allele frequency attached by ClinVar (database versions not stated): gnomAD exomes 0.00001; ExAC 0.00002.
gnomAD v4.1: 21 of 1,613,774 alleles (0.0013%); highest among the groups gnomAD compares: Non-Finnish European, 0.0018%; no homozygotes.

Submissions (3):

Labcorp Genetics (formerly Invitae), Labcorp
Classification: Uncertain significance. Last evaluated: 2025-09-05. Review status: criteria provided, single submitter. Criteria: Invitae Variant Classification Sherloc (09022015). Collection method: clinical testing. Allele origin: germline.
Comment: This sequence change replaces glycine, which is neutral and non-polar, with valine, which is neutral and non-polar, at codon 46 of the SPTA1 protein (p.Gly46Val). This variant is present in population databases (rs121918638, gnomAD 0.002%). This variant has not been reported in the literature in individuals affected with SPTA1-related conditions. ClinVar contains an entry for this variant (Variation ID: 12850). Invitae Evidence Modeling of protein sequence and biophysical properties (such as structural, functional, and spatial information, amino acid conservation, physicochemical variation, residue mobility, and thermodynamic stability) indicates that this missense variant is not expected to disrupt SPTA1 protein function with a negative predictive value of 80%. In summary, the available evidence is currently insufficient to determine the role of this variant in disease. Therefore, it has been classified as a Variant of Uncertain Significance.

Bioinformatics dept., Datar Cancer Genetics Limited, India
Classification: Likely pathogenic for Elliptocytosis 2. Last evaluated: 2017-06-23. Review status: criteria provided, single submitter. Criteria: ACMG Guidelines, 2015. Collection method: clinical testing. Allele origin: germline. Inheritance: Autosomal dominant inheritance. Observed: 1 variant allele, 1 compound heterozygote.

OMIM
Classification: Pathogenic for ELLIPTOCYTOSIS 2. Last evaluated: 1990-08-01. Review status: no assertion criteria provided. Collection method: literature only. Allele origin: germline. Not counted in ClinVar's aggregate classification.

Literature cited by the submitters: PubMed 2384601 (cited by Bioinformatics dept., Datar Cancer Genetics Limited, India and OMIM); PubMed 2568861 (cited by Bioinformatics dept., Datar Cancer Genetics Limited, India and OMIM).

NM_003126.4(SPTA1):c.137G>T (p.Gly46Val)

Gene: SPTA1 (spectrin alpha, erythrocytic 1; minus strand). Cytogenetic location: 1q23.1.
Variant type: single nucleotide variant.
Coding change: c.137G>T on transcript NM_003126.4 (MANE Select); coding-DNA position 137, G replaced by T.
Protein change: p.Gly46Val; replaces glycine 46 with valine.
Molecular consequence: missense variant.
Genome position (GRCh38, 1-based): chr1:158,685,235, C>A on the plus strand (G>T on the coding strand, the complement: SPTA1 is on the minus strand). VCF-style: chr1-158685235-C-A. GRCh37 (hg19) VCF-style: chr1-158655025-C-A.
Other names: short protein forms G46V.
Identifiers: ClinVar variation 12850 (VCV000012850.4), dbSNP rs121918638, ClinGen allele CA122753.